The following is an entry in ClinVar:

ClinVar aggregate classification (germline): Uncertain significance (1 of 4 stars; one submission).

Submission:

Labcorp Genetics (formerly Invitae), Labcorp
Classification: Uncertain significance. Last evaluated: 2025-06-03. Review status: criteria provided, single submitter. Criteria: Invitae Variant Classification Sherloc (09022015). Collection method: clinical testing. Allele origin: germline.
Comment: This variant, c.5511_5513del, results in the deletion of 1 amino acid(s) of the WDR87 protein (p.Lys1837del), but otherwise preserves the integrity of the reading frame. This variant is present in population databases (no rsID available, gnomAD 0.02%). This variant has not been reported in the literature in individuals affected with WDR87-related conditions. Experimental studies and prediction algorithms are not available or were not evaluated, and the functional significance of this variant is currently unknown. In summary, the available evidence is currently insufficient to determine the role of this variant in disease. Therefore, it has been classified as a Variant of Uncertain Significance.

NM_001291088.2(WDR87):c.5622GAA[2] (p.Lys1876del)

Gene: WDR87 (WD repeat domain 87; minus strand). Cytogenetic location: 19q13.13.
Variant type: Microsatellite.
Coding change: c.5622GAA[2] on transcript NM_001291088.2 (MANE Select); two copies in a row of the 3-base unit GAA starting at c.5622; the reference has three copies in a row; one copy, 3 bases deleted.
Protein change: p.Lys1876del; deletes lysine 1876.
Genome position (GRCh38, 1-based): chr19:37,888,041-37,888,043, TTC deleted on the plus strand (GAA on the coding strand, the reverse complement: WDR87 is on the minus strand); deleting any 3 consecutive bases within chr19:37,888,041-37,888,050 gives the same sequence; the position shown is the placement nearest the transcript's 3' end. VCF-style (leftmost placement, unchanged base first): chr19-37888040-ATTC-A. GRCh37 (hg19) VCF-style: chr19-38378680-ATTC-A.
Other names: c.5505GAA[2], p.Lys1837del (NM_031951.5); short protein forms K1837del, K1876del.
Identifiers: ClinVar variation 4775377 (VCV004775377.1).